The following is an entry in ClinVar:

NM_000209.4(PDX1):c.300C>G (p.Phe100Leu)

Gene: PDX1 (pancreatic and duodenal homeobox 1; plus strand). Cytogenetic location: 13q12.2.
Variant type: single nucleotide variant.
Coding change: c.300C>G on transcript NM_000209.4 (MANE Select); coding-DNA position 300, C replaced by G.
Protein change: p.Phe100Leu; replaces phenylalanine 100 with leucine.
Molecular consequence: missense variant.
Genome position (GRCh38, 1-based): chr13:27,920,438, C>G. VCF-style: chr13-27920438-C-G. GRCh37 (hg19) VCF-style: chr13-28494575-C-G.
Other names: short protein forms F100L.
Identifiers: ClinVar variation 3363952 (VCV003363952.1).
Genomic context (GRCh38, chr13:27,920,438, plus strand): 5'-GCACCTTCACCACCACCTCCCGGCTCAGCTCGCGCTCCCCCACCCGCCCGCCGGGCCCTT[C>G]CCGGAGGGAGCCGAGCCGGGCGTCCTGGAGGAGCCCAACCGCGTCCAGCTGCCTTTCCCA-3'
Protein context (NP_000200.1, residues 90-110): LALPHPPAGP[Phe100Leu]PEGAEPGVLE

ClinVar aggregate classification (germline): Uncertain significance (1 of 4 stars; one submission).

Submission:

GeneDx
Classification: Uncertain significance. Last evaluated: 2023-11-02. Review status: criteria provided, single submitter. Criteria: GeneDx Variant Classification Process June 2021. Collection method: clinical testing. Allele origin: germline. Affected: yes.
Comment: In silico analysis supports that this missense variant does not alter protein structure/function; Has not been previously published as pathogenic or benign to our knowledge